The following is an entry in ClinVar:

ClinVar aggregate classification (germline): Pathogenic/Likely pathogenic. Review status: criteria provided, multiple submitters, no conflicts (2 of 4 stars). 7 submissions from 6 submitters: Pathogenic (2); Likely pathogenic (3). 2 of the submissions do not count toward it. Last evaluated 2025-12-14.

Conditions:
Hypertrophic cardiomyopathy 26. Also called: Cardiomyopathy, familial hypertrophic, 26. Identifiers: Orphanet 75249, MedGen C4310749, MONDO:0014883, OMIM 617047.
Cardiomyopathy, familial restrictive, 5 (RCM5). Identifiers: MedGen C4310748, MONDO:0800371.
FLNC-related disorder. Also called: FLNC-related condition; FLNC-related disorders.
Cardiovascular phenotype. Identifiers: MedGen CN230736.
Distal myopathy with posterior leg and anterior hand involvement. Also called: WILLIAMS DISTAL MYOPATHY. Identifiers: Orphanet 63273, MedGen C3279722, MONDO:0013550, OMIM 614065.
Myofibrillar myopathy 5. Also called: Filaminopathy (type); FILAMINOPATHY, AUTOSOMAL DOMINANT. Identifiers: Orphanet 171445, MedGen C1836050, MONDO:0012289, OMIM 609524.
Cardiomyopathy (CMYO). Also called: Cardiomyopathies. Identifiers: Orphanet 167848, MedGen C0878544, MONDO:0004994, HP:0001638. Inheritance: Various modes of inheritance.

Allele frequency attached by ClinVar (database versions not stated): TOPMed below 0.00001; gnomAD 0.00003.

Submissions (7):

Labcorp Genetics (formerly Invitae), Labcorp
Classification: Pathogenic for Distal myopathy with posterior leg and anterior hand involvement; Myofibrillar myopathy 5; Hypertrophic cardiomyopathy 26. Last evaluated: 2025-12-14. Review status: criteria provided, single submitter. Criteria: Invitae Variant Classification Sherloc (09022015). Collection method: clinical testing. Allele origin: germline.
Comment: This sequence change replaces serine, which is neutral and polar, with leucine, which is neutral and non-polar, at codon 1624 of the FLNC protein (p.Ser1624Leu). This variant is present in population databases (no rsID available, gnomAD 0.007%). This missense change has been observed in individuals with restrictive cardiomyopathy (PMID: 26666891, 30418145; internal data). It has also been observed to segregate with disease in related individuals. ClinVar contains an entry for this variant (Variation ID: 253126). Invitae Evidence Modeling of protein sequence and biophysical properties (such as structural, functional, and spatial information, amino acid conservation, physicochemical variation, residue mobility, and thermodynamic stability) has been performed for this missense variant. However, the output from this modeling did not meet the statistical confidence thresholds required to predict the impact of this variant on FLNC protein function. Experimental studies have shown that this missense change affects FLNC function (PMID: 26666891). For these reasons, this variant has been classified as Pathogenic.

Ambry Genetics
Classification: Likely pathogenic for Cardiovascular phenotype. Last evaluated: 2025-01-13. Review status: criteria provided, single submitter. Criteria: Ambry Variant Classification Scheme 2023. Collection method: clinical testing. Allele origin: germline.
Comment: The p.S1624L variant (also known as c.4871C>T), located in coding exon 28 of the FLNC gene, results from a C to T substitution at nucleotide position 4871. The serine at codon 1624 is replaced by leucine, an amino acid with dissimilar properties. This variant was identified in one or more individuals with features consistent with FLNC-related hypertrophic/restrictive cardiomyopathy and/or skeletal myopathy and segregated with disease in at least one family (Brodehl A et al. Hum. Mutat., 2016 Mar;37:269-79; Ader F et al. Clin. Genet., 2019 10;96:317-329; Hag&egrave;ge A et al. Int J Cardiol. 2024 Dec;417:132542; Ambry internal data). Based on internal structural analysis, this variant is predicted to be mildly disruptive (Brodehl A et al. Hum. Mutat., 2016 Mar;37:269-79; Amby internal data). This amino acid position is highly conserved in available vertebrate species. In addition, this alteration is predicted to be deleterious by in silico analysis. This variant is considered to be rare based on population cohorts in the Genome Aggregation Database (gnomAD). Based on the majority of available evidence to date, this variant is likely to be pathogenic for FLNC-related hypertrophic/restrictive cardiomyopathy and/or skeletal myopathy; however, its clinical significance for FLNC-related dilated cardiomyopathy is uncertain.

Dasa
Classification: Likely pathogenic for Hypertrophic cardiomyopathy 26. Last evaluated: 2022-06-10. Review status: criteria provided, single submitter. Criteria: ACMG Guidelines, 2015. Collection method: clinical testing. Allele origin: germline. Affected: yes. Observed: 1 variant allele.
Comment: The c.4871C>T;p.(Ser1624Leu) missense change has been observed in affected individual(s) (PMID: 26666891; 31245841; 32112656) - PS4_supporting.Well-established in vitro or in vivo functional studies supportive of a damaging effect on the gene or gene product (PMID: 26666891) - PS3_supporting. This variant is not present in population databases:rs879255639, gnomAD; ABraOM no frequency) - PM2. The variant co-segregated with disease in multiple affected family members (PMID: 26666891) - PP1. Multiple lines of computational evidence support a deleterious effect on the gene or gene product - PP3. In summary, the currently available evidence indicates that the variant is Likely Pathogenic

CHEO Genetics Diagnostic Laboratory, Children's Hospital of Eastern Ontario
Classification: Likely pathogenic for Cardiomyopathy. Last evaluated: 2021-10-14. Review status: criteria provided, single submitter. Criteria: ACMG Guidelines, 2015. Collection method: clinical testing. Allele origin: germline.

Rady Children's Institute for Genomic Medicine, Rady Children's Hospital San Diego
Classification: Pathogenic for FLNC-Related Disorders. Last evaluated: 2020-02-18. Review status: criteria provided, single submitter. Criteria: ACMG Guidelines, 2015. Collection method: clinical testing. Allele origin: germline. Affected: yes.
Comment: This variant has been previously reported as a heterozygous change in four patients from a family with restrictive cardiomyopathy (PMID: 26666891) and as a heterozygous change in a patient with hypertrophic cardiomyopathy (PMID: 30418145, 31245841). Functional studies have demonstrated that this variant results in protein aggregates consistent with disease in the histopathology of an affected patient's heart tissue and in transfected myoblast cell lines (PMID: 26666891). It is present in the heterozygous state in the gnomAD population database at a frequency of 0.0032% (1/31362) and thus is presumed to be rare. The c.4871C>T (p.Ser1624Leu) variant affects a highly conserved amino acid and is predicted by multiple in silico tools to have a deleterious effect on protein function. Based on the available evidence, the c.4871C>T (p.Ser1624Leu) variant is classified as Likely Pathogenic.

OMIM
Classification: Pathogenic for CARDIOMYOPATHY, FAMILIAL RESTRICTIVE, 5. Last evaluated: 2023-06-26. Review status: no assertion criteria provided. Collection method: literature only. Allele origin: germline. Not counted in ClinVar's aggregate classification.

OMIM
Classification: Pathogenic for CARDIOMYOPATHY, FAMILIAL HYPERTROPHIC, 26. Last evaluated: 2023-06-26. Review status: no assertion criteria provided. Collection method: literature only. Allele origin: germline. Not counted in ClinVar's aggregate classification.

Literature cited by the submitters: PubMed 26666891 (cited by 4 submitters); PubMed 30418145 (cited by Labcorp Genetics (formerly Invitae), Labcorp and Ambry Genetics); PubMed 31245841 (cited by 3 submitters); PubMed 35653365 (cited by Ambry Genetics); PubMed 39260623 (cited by Ambry Genetics); PubMed 32112656 (cited by Dasa).

NM_001458.5(FLNC):c.4871C>T (p.Ser1624Leu)

Gene: FLNC (filamin C; plus strand). Cytogenetic location: 7q32.1.
Variant type: single nucleotide variant.
Coding change: c.4871C>T on transcript NM_001458.5 (MANE Select); coding-DNA position 4871, C replaced by T.
Protein change: p.Ser1624Leu; replaces serine 1624 with leucine.
Molecular consequence: missense variant.
Genome position (GRCh38, 1-based): chr7:128,848,926, C>T. VCF-style: chr7-128848926-C-T. GRCh37 (hg19) VCF-style: chr7-128488980-C-T.
Other names: c.4871C>T, p.Ser1624Leu (NM_001127487.2); short protein forms S1624L.
Identifiers: ClinVar variation 253126 (VCV000253126.20), dbSNP rs879255639, ClinGen allele CA10586205.